The following is an entry in ClinVar:

ClinVar aggregate classification (germline): Benign/Likely benign. Review status: criteria provided, multiple submitters, no conflicts (2 of 4 stars). 10 submissions from 10 submitters: Benign (5); Likely benign (3). 2 of the submissions do not count toward it. Last evaluated 2026-02-01.

Conditions:
Supravalvar aortic stenosis (SVAS). Also called: Supravalvar aortic stenosis, Eisenberg type. Identifiers: Orphanet 3193, MedGen C0003499, MONDO:0008504, OMIM 185500, HP:0004381.

Allele frequency attached by ClinVar (database versions not stated): 1000 Genomes Project 0.00899; 1000 Genomes Project 30x 0.00984; TOPMed 0.00988; gnomAD 0.01032 and 0.01049; ESP Exome Variant Server 0.01046.
gnomAD v4.1: 21,104 of 1,586,356 alleles (1.3%); highest among the groups gnomAD compares: South Asian, 1.6%; 191 homozygotes.

Submissions (10):

Labcorp Genetics (formerly Invitae), Labcorp
Classification: Benign for Supravalvar aortic stenosis. Last evaluated: 2026-02-01. Review status: criteria provided, single submitter. Criteria: Invitae Variant Classification Sherloc (09022015). Collection method: clinical testing. Allele origin: germline.

Molecular Diagnostic Laboratory for Inherited Cardiovascular Disease, Montreal Heart Institute
Classification: Likely benign. Last evaluated: 2025-04-09. Review status: criteria provided, single submitter. Criteria: ACMG Guidelines, 2015. Collection method: clinical testing. Allele origin: germline. Affected: no.
Comment: BS1;BP6

Blueprint Genetics
Classification: Likely benign. Last evaluated: 2024-11-27. Review status: criteria provided, single submitter. Criteria: ACMG Guidelines, 2015. Collection method: clinical testing. Allele origin: germline.

Women's Health and Genetics/Laboratory Corporation of America, LabCorp
Classification: Benign. Last evaluated: 2024-07-21. Review status: criteria provided, single submitter. Criteria: LabCorp Variant Classification Summary - May 2015. Collection method: clinical testing. Allele origin: germline.

GeneDx
Classification: Benign. Last evaluated: 2015-03-03. Review status: criteria provided, single submitter. Criteria: GeneDx Variant Classification Process June 2021. Collection method: clinical testing. Allele origin: germline. Affected: yes.

Laboratory for Molecular Medicine, Mass General Brigham Personalized Medicine
Classification: Benign. Last evaluated: 2012-03-02. Review status: criteria provided, single submitter. Criteria: LMM Criteria. Collection method: clinical testing. Allele origin: germline. Observed: 3 variant alleles.
Comment: 442+8C>T in intron 8 of ELN: This variant is not expected to have clinical signi ficance because it has been identified in 1.4% (101/7010) of European American c hromosomes from a broad population by the NHLBI Exome Sequencing Project (dbSNP rs55868272).

Breakthrough Genomics
Classification: Likely benign. Review status: criteria provided, single submitter. Criteria: ACMG Guidelines, 2015. Collection method: not provided. Allele origin: germline. Inheritance: Autosomal dominant inheritance. Affected: yes.

PreventionGenetics, part of Exact Sciences
Classification: Benign. Review status: criteria provided, single submitter. Criteria: ACMG Guidelines, 2015. Collection method: clinical testing. Allele origin: germline.

Genome Diagnostics Laboratory, Amsterdam University Medical Center
Classification: Benign. Review status: no assertion criteria provided. Collection method: clinical testing. Allele origin: germline. Affected: yes. Study: VKGL Data-share Consensus. Not counted in ClinVar's aggregate classification.

Genome Diagnostics Laboratory, University Medical Center Utrecht
Classification: Benign. Review status: no assertion criteria provided. Collection method: clinical testing. Allele origin: germline. Affected: yes. Study: VKGL Data-share Consensus. Not counted in ClinVar's aggregate classification.

NM_000501.4(ELN):c.427+8C>T

Gene: ELN (elastin; plus strand). Cytogenetic location: 7q11.23.
Variant type: single nucleotide variant.
Coding change: c.427+8C>T on transcript NM_000501.4 (MANE Select); 8 bases into the intron after coding-DNA position 427, C replaced by T.
Molecular consequence: intron variant.
Genome position (GRCh38, 1-based): chr7:74,043,176, C>T. VCF-style: chr7-74043176-C-T. GRCh37 (hg19) VCF-style: chr7-73457506-C-T.
Other names: c.442+8C>T (NM_001081754.3, NM_001081753.3); c.427+8C>T (NM_001278939.2, NM_001278915.2, NM_001278912.2 and 2 more transcripts); c.391+8C>T (NM_001278913.2); c.412+8C>T (NM_001278914.2); c.397+8C>T (NM_001278917.2, NM_001081752.3, NM_001278918.2).
Identifiers: ClinVar variation 43890 (VCV000043890.25), dbSNP rs55868272, ClinGen allele CA133100.